The following is an entry in ClinVar:

ClinVar aggregate classification (germline): Uncertain significance (1 of 4 stars; one submission).

Allele frequency attached by ClinVar (database versions not stated): gnomAD 0.00004; ExAC 0.00006; TOPMed 0.00006; ESP Exome Variant Server 0.00015.
gnomAD v4.1: 61 of 1,613,988 alleles (0.0038%); highest among the groups gnomAD compares: Admixed American, 0.0083%; no homozygotes.

Submission:

Labcorp Genetics (formerly Invitae), Labcorp
Classification: Uncertain significance. Last evaluated: 2022-05-20. Review status: criteria provided, single submitter. Criteria: Invitae Variant Classification Sherloc (09022015). Collection method: clinical testing. Allele origin: germline.
Comment: This sequence change replaces arginine, which is basic and polar, with tryptophan, which is neutral and slightly polar, at codon 76 of the COQ7 protein (p.Arg76Trp). This variant is present in population databases (rs370724921, gnomAD 0.01%). This variant has not been reported in the literature in individuals affected with COQ7-related conditions. Algorithms developed to predict the effect of missense changes on protein structure and function are either unavailable or do not agree on the potential impact of this missense change (SIFT: "Deleterious"; PolyPhen-2: "Possibly Damaging"; Align-GVGD: "Class C0"). In summary, the available evidence is currently insufficient to determine the role of this variant in disease. Therefore, it has been classified as a Variant of Uncertain Significance.

NM_016138.5(COQ7):c.226C>T (p.Arg76Trp)

Gene: COQ7 (coenzyme Q7, hydroxylase; plus strand). Cytogenetic location: 16p12.3.
Variant type: single nucleotide variant.
Coding change: c.226C>T on transcript NM_016138.5 (MANE Select); coding-DNA position 226, C replaced by T.
Protein change: p.Arg76Trp; replaces arginine 76 with tryptophan.
Molecular consequence: missense variant. On other transcripts: non-coding transcript variant (3).
Genome position (GRCh38, 1-based): chr16:19,072,080, C>T. VCF-style: chr16-19072080-C-T. GRCh37 (hg19) VCF-style: chr16-19083402-C-T.
Other names: c.112C>T, p.Arg38Trp (NM_001190983.2, NM_001370492.1, NM_001370493.1 and 2 more transcripts); c.184C>T, p.Arg62Trp (NM_001370489.1, NM_001370491.1); c.226C>T, p.Arg76Trp (NM_001370490.1); short protein forms R38W, R62W, R76W.
Identifiers: ClinVar variation 2419348 (VCV002419348.2), dbSNP rs370724921, ClinGen allele CA7932920.